The following is an entry in ClinVar:

NM_001184900.3(CARD8):c.970C>T (p.His324Tyr)

Gene: CARD8 (caspase recruitment domain family member 8; minus strand). Cytogenetic location: 19q13.33.
Variant type: single nucleotide variant.
Coding change: c.970C>T on transcript NM_001184900.3 (MANE Select); coding-DNA position 970, C replaced by T.
Protein change: p.His324Tyr; replaces histidine 324 with tyrosine.
Molecular consequence: missense variant. On other transcripts: non-coding transcript variant (4).
Genome position (GRCh38, 1-based): chr19:48,230,503, G>A on the plus strand (C>T on the coding strand, the complement: CARD8 is on the minus strand). VCF-style: chr19-48230503-G-A. GRCh37 (hg19) VCF-style: chr19-48733760-G-A.
Other names: c.820C>T, p.His274Tyr (NM_001184901.1, NM_001351783.2, NM_001351788.2 and 2 more transcripts); c.970C>T, p.His324Tyr (NM_001184902.2, NM_001184903.1, NM_001351782.2); c.655C>T, p.His219Tyr (NM_001351784.2, NM_001351787.2, NM_001351791.2 and 1 more transcripts); c.634C>T, p.His212Tyr (NM_001351786.2); c.727C>T, p.His243Tyr (NM_001351790.2); c.652C>T, p.His218Tyr (NM_001365950.1); c.970C>T (NM_001184900.1); short protein forms H218Y, H324Y, H219Y, H243Y, H274Y, H212Y.
Identifiers: ClinVar variation 1036812 (VCV001036812.10), dbSNP rs141307910, ClinGen allele CA9547862.

ClinVar aggregate classification (germline): Uncertain significance. Review status: criteria provided, multiple submitters, no conflicts (2 of 4 stars). 4 submissions from 4 submitters: Uncertain significance (4). Last evaluated 2026-01-25.

Conditions:
CARD8-related disorder. Also called: CARD8-related condition.
Inflammatory bowel disease 30. Also called: INFLAMMATORY BOWEL DISEASE (CROHN DISEASE) 30. Identifiers: MedGen C5436750, MONDO:0033643, OMIM 619079.

Allele frequency attached by ClinVar (database versions not stated): gnomAD exomes 0.00001 and 0.00008; gnomAD 0.00006 and 0.00007; TOPMed 0.00006; ExAC 0.00007; ESP Exome Variant Server 0.00008; 1000 Genomes Project 30x 0.00016; 1000 Genomes Project 0.00020.
gnomAD v4.1: 70 of 1,614,156 alleles (0.0043%); highest among the groups gnomAD compares: East Asian, 0.053%; no homozygotes.

Submissions (4):

Labcorp Genetics (formerly Invitae), Labcorp
Classification: Uncertain significance. Last evaluated: 2026-01-25. Review status: criteria provided, single submitter. Criteria: Invitae Variant Classification Sherloc (09022015). Collection method: clinical testing. Allele origin: germline.
Comment: This sequence change replaces histidine, which is basic and polar, with tyrosine, which is neutral and polar, at codon 274 of the CARD8 protein (p.His274Tyr). This variant is present in population databases (rs141307910, gnomAD 0.08%), and has an allele count higher than expected for a pathogenic variant. This variant has not been reported in the literature in individuals affected with CARD8-related conditions. ClinVar contains an entry for this variant (Variation ID: 1036812). An algorithm developed to predict the effect of missense changes on protein structure and function (PolyPhen-2) suggests that this variant is likely to be disruptive. In summary, the available evidence is currently insufficient to determine the role of this variant in disease. Therefore, it has been classified as a Variant of Uncertain Significance.

Ambry Genetics
Classification: Uncertain significance. Last evaluated: 2024-04-08. Review status: criteria provided, single submitter. Criteria: Ambry Variant Classification Scheme 2023. Collection method: clinical testing. Allele origin: germline.

PreventionGenetics, part of Exact Sciences
Classification: Uncertain significance for CARD8-related condition. Last evaluated: 2023-04-05. Review status: criteria provided, single submitter. Criteria: ACMG Guidelines, 2015. Collection method: clinical testing. Allele origin: germline.
Comment: The CARD8 c.970C>T variant is predicted to result in the amino acid substitution p.His324Tyr. To our knowledge, this variant has not been reported in the literature. This variant is reported in 0.090% of alleles in individuals of East Asian descent in gnomAD. At this time, the clinical significance of this variant is uncertain due to the absence of conclusive functional and genetic evidence.

Department of Pathology and Laboratory Medicine, Sinai Health System
Classification: Uncertain significance for inflammatory bowel disease 30. Last evaluated: 2022-12-14. Review status: criteria provided, single submitter. Criteria: ACMG Guidelines, 2015. Collection method: research. Allele origin: germline.